The following is an entry in ClinVar:

ClinVar aggregate classification (germline): Uncertain significance (1 of 4 stars; one submission).

Conditions:
Autosomal recessive distal spinal muscular atrophy 2. Also called: NEURONOPATHY, DISTAL HEREDITARY MOTOR, JERASH TYPE; NEUROPATHY, DISTAL HEREDITARY MOTOR, JERASH TYPE; NEUROPATHY, DISTAL HEREDITARY MOTOR, AUTOSOMAL RECESSIVE 2; Hereditary motor neuropathy, Jerash type; Motor neuropathy, distal, Jerash type; SPINAL MUSCULAR ATROPHY, JERASH TYPE. Identifiers: Orphanet 139552, MedGen C1854023, MONDO:0011585, OMIM 605726.
Amyotrophic lateral sclerosis type 16. Also called: AMYOTROPHIC LATERAL SCLEROSIS 16, JUVENILE. Identifiers: Orphanet 300605, MedGen C3280587, MONDO:0013715, OMIM 614373.

Allele frequency attached by ClinVar (database versions not stated): TOPMed 0.00001; gnomAD exomes below 0.00001; ExAC 0.00001.
gnomAD v4.1: 13 of 1,614,114 alleles (0.00081%); highest among the groups gnomAD compares: East Asian, 0.0045%; no homozygotes.

Submission:

Labcorp Genetics (formerly Invitae), Labcorp
Classification: Uncertain significance for Autosomal recessive distal spinal muscular atrophy 2; Amyotrophic lateral sclerosis type 16. Last evaluated: 2022-01-24. Review status: criteria provided, single submitter. Criteria: Invitae Variant Classification Sherloc (09022015). Collection method: clinical testing. Allele origin: germline.
Comment: This sequence change replaces alanine, which is neutral and non-polar, with threonine, which is neutral and polar, at codon 185 of the SIGMAR1 protein (p.Ala185Thr). This variant is present in population databases (rs777650644, gnomAD 0.003%). This variant has not been reported in the literature in individuals affected with SIGMAR1-related conditions. ClinVar contains an entry for this variant (Variation ID: 836890). Algorithms developed to predict the effect of missense changes on protein structure and function are either unavailable or do not agree on the potential impact of this missense change (SIFT: "Deleterious"; PolyPhen-2: "Possibly Damaging"; Align-GVGD: "Class C0"). In summary, the available evidence is currently insufficient to determine the role of this variant in disease. Therefore, it has been classified as a Variant of Uncertain Significance.

NM_005866.4(SIGMAR1):c.553G>A (p.Ala185Thr)

Gene: SIGMAR1 (sigma receptor chaperone 1; minus strand). Cytogenetic location: 9p13.3.
Variant type: single nucleotide variant.
Coding change: c.553G>A on transcript NM_005866.4 (MANE Select); coding-DNA position 553, G replaced by A.
Protein change: p.Ala185Thr; replaces alanine 185 with threonine.
Molecular consequence: missense variant. On other transcripts: 3 prime UTR variant (2), non-coding transcript variant (1), intron variant (1).
Genome position (GRCh38, 1-based): chr9:34,635,751, C>T on the plus strand (G>A on the coding strand, the complement: SIGMAR1 is on the minus strand). VCF-style: chr9-34635751-C-T. GRCh37 (hg19) VCF-style: chr9-34635748-C-T.
Other names: c.253G>A, p.Ala85Thr (NM_001282206.2); c.493G>A, p.Ala165Thr (NM_001282207.2); c.*96G>A (NM_001282208.2); c.*80G>A (NM_001282209.2); c.460G>A, p.Ala154Thr (NM_147157.3); c.446-111G>A (NM_001282205.2); short protein forms A165T, A154T, A85T, A185T.
Identifiers: ClinVar variation 836890 (VCV000836890.5), dbSNP rs777650644, ClinGen allele CA5035837.